The following is an entry in ClinVar:

NM_170606.3(KMT2C):c.8743A>T (p.Thr2915Ser)

Gene: KMT2C (lysine methyltransferase 2C; minus strand). Cytogenetic location: 7q36.1.
Variant type: single nucleotide variant.
Coding change: c.8743A>T on transcript NM_170606.3 (MANE Select); coding-DNA position 8743, A replaced by T.
Protein change: p.Thr2915Ser; replaces threonine 2915 with serine.
Molecular consequence: missense variant.
Genome position (GRCh38, 1-based): chr7:152,176,710, T>A on the plus strand (A>T on the coding strand, the complement: KMT2C is on the minus strand). VCF-style: chr7-152176710-T-A. GRCh37 (hg19) VCF-style: chr7-151873795-T-A.
Other names: short protein forms T2915S.
Identifiers: ClinVar variation 1490784 (VCV001490784.8), dbSNP rs768119139, ClinGen allele CA4579628.

ClinVar aggregate classification (germline): Uncertain significance (1 of 4 stars; one submission).

Allele frequency attached by ClinVar (database versions not stated): ExAC 0.00002; gnomAD exomes 0.00002.

Submission:

Labcorp Genetics (formerly Invitae), Labcorp
Classification: Uncertain significance. Last evaluated: 2024-11-04. Review status: criteria provided, single submitter. Criteria: Invitae Variant Classification Sherloc (09022015). Collection method: clinical testing. Allele origin: germline.
Comment: This sequence change replaces threonine, which is neutral and polar, with serine, which is neutral and polar, at codon 2915 of the KMT2C protein (p.Thr2915Ser). This variant is present in population databases (rs768119139, gnomAD 0.02%). This variant has not been reported in the literature in individuals affected with KMT2C-related conditions. ClinVar contains an entry for this variant (Variation ID: 1490784). Invitae Evidence Modeling of protein sequence and biophysical properties (such as structural, functional, and spatial information, amino acid conservation, physicochemical variation, residue mobility, and thermodynamic stability) indicates that this missense variant is not expected to disrupt KMT2C protein function with a negative predictive value of 80%. In summary, the available evidence is currently insufficient to determine the role of this variant in disease. Therefore, it has been classified as a Variant of Uncertain Significance.